The following is an entry in ClinVar:

NM_001009944.3(PKD1):c.12682C>T (p.Arg4228Ter)

Gene: PKD1 (polycystin 1, transient receptor potential channel interacting; minus strand). Cytogenetic location: 16p13.3.
Variant type: single nucleotide variant.
Coding change: c.12682C>T on transcript NM_001009944.3 (MANE Select); coding-DNA position 12682, C replaced by T.
Protein change: p.Arg4228Ter; replaces arginine 4228 with a stop codon.
Molecular consequence: nonsense.
Genome position (GRCh38, 1-based): chr16:2,089,957, G>A on the plus strand (C>T on the coding strand, the complement: PKD1 is on the minus strand). VCF-style: chr16-2089957-G-A. GRCh37 (hg19) VCF-style: chr16-2139958-G-A.
Other names: c.12679C>T, p.Arg4227Ter (NM_000296.4); c.12679C>T (NM_000296.3); short protein forms R4227*, R4228*.
Identifiers: ClinVar variation 8198 (VCV000008198.16), dbSNP rs199476095, ClinGen allele CA119367.

ClinVar aggregate classification (germline): Pathogenic/Likely pathogenic. Review status: criteria provided, multiple submitters, no conflicts (2 of 4 stars). 13 submissions from 13 submitters: Pathogenic (11); Likely pathogenic (1). 1 of the submissions does not count toward it. Last evaluated 2025-09-10.

Conditions:
PKD1-related disorder. Also called: PKD1-related condition.
Polycystic kidney disease, adult type (PKD1). Also called: Polycystic Kidney Disease 1, Autosomal Dominant; Polycystic kidney disease 1; Polycystic kidney disease 1, severe; POLYCYSTIC KIDNEY DISEASE 1 WITH OR WITHOUT POLYCYSTIC LIVER DISEASE; Polycystic Kidney, Autosomal Dominant; POLYCYSTIC KIDNEY DISEASE, ADULT, TYPE I. Identifiers: MedGen C3149841, MONDO:0008263, OMIM 173900.

Allele frequency attached by ClinVar (database versions not stated): gnomAD exomes below 0.00001; ExAC 0.00001.

Submissions (13):

Genomic Medicine Center of Excellence, King Faisal Specialist Hospital and Research Centre
Classification: Likely pathogenic for Polycystic kidney disease, adult type. Last evaluated: 2025-09-10. Review status: criteria provided, single submitter. Criteria: ACMG Guidelines, 2015. Collection method: clinical testing. Allele origin: germline.

3billion
Classification: Pathogenic for Polycystic kidney disease, adult type. Last evaluated: 2025-03-28. Review status: criteria provided, single submitter. Criteria: ACMG Guidelines, 2015. Collection method: clinical testing. Allele origin: germline. Affected: yes.
Comment: The variant is observed at an extremely low frequency in the gnomAD v4.1.0 dataset (total allele frequency: <0.001%). Predicted Consequence/Location: Stop-gained (nonsense): predicted to result in a loss or disruption of normal protein function through protein truncation. The predicted truncated protein may be shortened by less than 10%. The variant has been observed in multiple (>3) similarly affected unrelated individuals (PMID: 21115670, 23760289, 26632257, 31874800). The variant has been reported at least twice as pathogenic with clinical assertions and evidence for the classification (ClinVar ID: VCV000008198 / PMID: 8554072). Therefore, this variant is classified as Pathogenic according to the recommendation of ACMG/AMP guideline.

Variantyx, Inc.
Classification: Pathogenic for Polycystic kidney disease, adult type. Last evaluated: 2025-03-05. Review status: criteria provided, single submitter. Criteria: Variantyx Assertion Criteria 2022. Collection method: clinical testing. Allele origin: germline. Affected: yes.
Comment: This is a nonsense variant in the PKD1 gene (OMIM: 601313). Pathogenic variants in this gene have been associated with autosomal dominant polycystic kidney disease 1. This variant introduces a premature termination codon in exon 46 out of 46. It is expected to result in loss of function, which is a known disease mechanism for PKD1 in this disorder (PMID: 24611717) (PVS1). This variant has been reported in several unrelated affected individuals (PMID: 30333007, 26632257) (PS4). This variant has a 0.0012% maximum allele frequency in non-founder control populations (PM2_Supporting). Based on the current evidence, this variant is classified as pathogenic for autosomal dominant polycystic kidney disease 1.

Blueprint Genetics
Classification: Pathogenic for PKD1-related disorders. Last evaluated: 2024-10-08. Review status: criteria provided, single submitter. Criteria: ACMG Guidelines, 2015. Collection method: clinical testing. Allele origin: germline. Affected: yes. Observed: 4 variant alleles.

Clinical Genomics Laboratory, Washington University in St. Louis
Classification: Pathogenic for Polycystic kidney disease, adult type. Last evaluated: 2024-08-16. Review status: criteria provided, single submitter. Criteria: ACMG Guidelines, 2015. Collection method: clinical testing. Allele origin: germline. Affected: yes.
Comment: A PKD1 c.12682C>T (p.Arg4228*) variant was identified. This variant has been reported in several individuals affected with polycystic kidney disease (Hopp K et al., PMID: 31874800; Mallawaarachchi AC et al., PMID: 30369598; He WB et al., PMID: 30333007; Liu B et al., PMID: 26632257; Paul BM et al., PMID: 23760289). PKD1 c.12682C>T (p.Arg4228*) has been reported in the ClinVar database as pathogenic by eight submitters (ClinVar ID: 8198) and is only observed on 1/244,928 alleles in the general population (gnomAD v.2.1.1), indicating it is not a common variant. This variant results in premature truncation starting at codon 4228 but is not expected to lead to nonsense mediated decay. However, nonsense/frameshift variants downstream of codon 4228 have been reported in individuals with autosomal dominant polycystic kidney disease and have been submitted to ClinVar as pathogenic ((Kataoka H et al., PMID: 31948117; Schönauer R et al., PMID: 32398770; Xu D et al., PMID: 29529603). Based on available information, and based on ACMG/AMP guidelines for variant interpretation (Richards S et al., PMID: 25741868), the PKD1 c.12682C>T (p.Arg4228*) variant is classified as pathogenic.

Athena Diagnostics
Classification: Pathogenic. Last evaluated: 2023-07-31. Review status: criteria provided, single submitter. Criteria: Athena Diagnostics Criteria. Collection method: clinical testing. Allele origin: unknown.
Comment: The frequency of this variant in the general population is consistent with pathogenicity. This variant has been identified in multiple unrelated individuals with clinical features associated with this gene. In some published literature, this variant is referred to as c.12682C>T, p.Arg4228X. Assessment of experimental evidence suggests this variant results in abnormal protein function. (PMID: 11140688)

GeneDx
Classification: Pathogenic. Last evaluated: 2022-12-06. Review status: criteria provided, single submitter. Criteria: GeneDx Variant Classification Process June 2021. Collection method: clinical testing. Allele origin: germline. Affected: yes.
Comment: Observed in multiple unrelated individuals with autosomal dominant polycystic kidney disease in published literature (Peral et al., 1996; Peral et al., 1997; Hoefele et al., 2011; He et al., 2018); Published functional studies demonstrate a damaging effect; variant protein results in loss of heterodimerization with PKD2 and a failure to produce ion channel activity (Hanaoka et al., 2000); Nonsense variant in the C-terminus predicted to result in protein truncation, as the last 75 amino acids are lost, and other loss-of-function variants have been reported downstream in the Human Gene Mutation Database (HGMD); Not observed at a significant frequency in large population cohorts (gnomAD); This variant is associated with the following publications: (PMID: 25365220, 11115377, 9199561, 21115670, 17582161, 33454723, 35177841, 30333007, 8554072, 11140688)

Fulgent Genetics
Classification: Pathogenic for Polycystic kidney disease, adult type. Last evaluated: 2022-04-25. Review status: criteria provided, single submitter. Criteria: ACMG Guidelines, 2015. Collection method: clinical testing. Allele origin: unknown.

Department of Pathology and Laboratory Medicine, Sinai Health System
Classification: Pathogenic for Polycystic kidney disease, adult type. Last evaluated: 2020-02-20. Review status: criteria provided, single submitter. Criteria: ACMG Guidelines, 2015. Collection method: clinical testing. Allele origin: germline. Affected: yes.

Cavalleri Lab, Royal College of Surgeons in Ireland
Classification: Pathogenic for Polycystic kidney disease, adult type. Last evaluated: 2020-02-05. Review status: criteria provided, single submitter. Criteria: ACMG Guidelines, 2015. Collection method: research. Allele origin: unknown. Inheritance: Autosomal dominant inheritance. Affected: yes.
Comment: PVS1, PM1, PP4, PP5

Molecular Biology Laboratory, Fundació Puigvert
Classification: Pathogenic for Polycystic kidney disease, adult type. Last evaluated: 2020-02-01. Review status: criteria provided, single submitter. Criteria: ACMG Guidelines, 2015. Collection method: research. Allele origin: germline. Affected: yes. Study: KidneyPanel_2020.

Juno Genomics, Hangzhou Juno Genomics, Inc
Classification: Pathogenic for Polycystic kidney disease, adult type. Review status: criteria provided, single submitter. Criteria: ACMG Guidelines, 2015. Collection method: clinical testing. Allele origin: germline. Affected: yes.
Comment: Null variant in a gene where loss of function (LOF) is a known mechanism of disease.;Absent from controls (or at extremely low frequency if recessive) in Genome Aggregation Database, Exome Sequencing Project, 1000 Genomes Project, or Exome Aggregation Consortium.;The prevalence of the variant in affected individuals is significantly increased compared to the prevalence in controls.;Patient's phenotype or family history is highly specific for a disease with a single genetic etiology.;De novo (both maternity and paternity confirmed) in a patient with the disease and no family history.;Co-segregation with disease in multiple affected family members in a gene definitively known to cause the disease.

OMIM
Classification: Pathogenic for POLYCYSTIC KIDNEY DISEASE 1. Last evaluated: 1996-01-01. Review status: no assertion criteria provided. Collection method: literature only. Allele origin: germline. Not counted in ClinVar's aggregate classification.

Literature cited by the submitters: PubMed 23760289 (cited by 3billion); PubMed 26632257 (cited by 3billion); PubMed 21115670 (cited by 3billion and Athena Diagnostics); PubMed 31874800 (cited by 3billion); PubMed 8554072 (cited by 4 submitters); PubMed 11115377 (cited by Athena Diagnostics and Department of Pathology and Laboratory Medicine, Sinai Health System); PubMed 33532864 (cited by Athena Diagnostics and Molecular Biology Laboratory, Fundació Puigvert); PubMed 9199561 (cited by Athena Diagnostics); PubMed 17582161 (cited by Athena Diagnostics and Department of Pathology and Laboratory Medicine, Sinai Health System); PubMed 30333007 (cited by Athena Diagnostics); PubMed 11140688 (cited by Athena Diagnostics).